The following is an entry in ClinVar:

NM_024312.5(GNPTAB):c.3513_3514del (p.Phe1171fs)

Gene: GNPTAB (N-acetylglucosamine-1-phosphate transferase subunits alpha and beta; minus strand). Cytogenetic location: 12q23.2.
Variant type: Deletion.
Coding change: c.3513_3514del on transcript NM_024312.5 (MANE Select); coding-DNA positions 3513 to 3514, 2 bases deleted (CT; older notation c.3513_3514delCT).
Protein change: p.Phe1171fs; shifts the reading frame from phenylalanine 1171.
Molecular consequence: frameshift variant.
Genome position (GRCh38, 1-based): chr12:101,753,460-101,753,461, AG deleted on the plus strand (CT on the coding strand, the reverse complement: GNPTAB is on the minus strand); deleting any 2 consecutive bases within chr12:101,753,460-101,753,462 gives the same sequence; the c. name uses the placement nearest the transcript's 3' end. VCF-style (leftmost placement, unchanged base first): chr12-101753459-TAG-T. GRCh37 (hg19) VCF-style: chr12-102147237-TAG-T.
Other names: short protein forms F1171fs.
Identifiers: ClinVar variation 5012481 (VCV005012481.1).

ClinVar aggregate classification (germline): Pathogenic (1 of 4 stars; one submission).

Conditions:
GNPTAB-mucolipidosis. Also called: UDP-N-acetylglucosamine-1-phosphotransferase subunit alpha/beta deficiency. Identifiers: MedGen CN322573, MONDO:0100122.

Submission:

Myriad Genetics, Inc.
Classification: Pathogenic for GNPTAB-mucolipidosis. Last evaluated: 2023-11-14. Review status: criteria provided, single submitter. Criteria: Myriad Autosomal Dominant, Autosomal Recessive and X-Linked Classification Criteria (2023). Collection method: clinical testing. Allele origin: unknown.
Comment: NM_024312.4(GNPTAB):c.3513_3514delCT(F1171Lfs*2) is expected to be pathogenic in the context of GNPTAB-related disorders. This variant is predicted to lead to an abnormal or absent protein product due to the creation of a premature termination codon in GNPTAB, a gene where loss-of-function variants are known to be pathogenic. Please note: this variant was assessed in the context of healthy population screening.